The following is an entry in ClinVar:

ClinVar aggregate classification (germline): Uncertain significance. Review status: criteria provided, multiple submitters, no conflicts (2 of 4 stars). 3 submissions from 3 submitters: Uncertain significance (3). Last evaluated 2025-09-15.

Conditions:
Seizures, benign familial infantile, 3 (BFIS3). Also called: Familial neonatal seizures; CONVULSIONS, BENIGN FAMILIAL INFANTILE, 3. Identifiers: Orphanet 140927, Orphanet 306, MedGen C1843140, MONDO:0011904, OMIM 607745.
Developmental and epileptic encephalopathy, 11 (DEE11). Also called: Early infantile epileptic encephalopathy 11. Identifiers: Orphanet 1934, MedGen C3150987, MONDO:0013388, OMIM 613721.

gnomAD v4.1: 4 of 1,577,754 alleles (0.00025%); highest among the groups gnomAD compares: Middle Eastern, 0.017%; no homozygotes.

Submissions (3):

Labcorp Genetics (formerly Invitae), Labcorp
Classification: Uncertain significance for Seizures, benign familial infantile, 3; Developmental and epileptic encephalopathy, 11. Last evaluated: 2025-09-15. Review status: criteria provided, single submitter. Criteria: Invitae Variant Classification Sherloc (09022015). Collection method: clinical testing. Allele origin: germline.
Comment: This sequence change replaces isoleucine, which is neutral and non-polar, with methionine, which is neutral and non-polar, at codon 92 of the SCN2A protein (p.Ile92Met). The frequency data for this variant in the population databases is considered unreliable, as metrics indicate poor data quality at this position in the gnomAD database. This variant has not been reported in the literature in individuals affected with SCN2A-related conditions. ClinVar contains an entry for this variant (Variation ID: 946543). Invitae Evidence Modeling of protein sequence and biophysical properties (such as structural, functional, and spatial information, amino acid conservation, physicochemical variation, residue mobility, and thermodynamic stability) indicates that this missense variant is expected to disrupt SCN2A protein function with a positive predictive value of 95%. In summary, the available evidence is currently insufficient to determine the role of this variant in disease. Therefore, it has been classified as a Variant of Uncertain Significance.

GeneDx
Classification: Uncertain significance. Last evaluated: 2025-07-10. Review status: criteria provided, single submitter. Criteria: GeneDx Variant Classification Process June 2021. Collection method: clinical testing. Allele origin: germline.
Comment: Not observed at significant frequency in large population cohorts (gnomAD); In silico analysis supports that this missense variant has a deleterious effect on protein structure/function; Has not been previously published as pathogenic or benign to our knowledge; This substitution is predicted to be within the N-terminal cytoplasmic domain

Revvity Omics, Revvity
Classification: Uncertain significance. Last evaluated: 2024-07-05. Review status: criteria provided, single submitter. Criteria: ACMG Guidelines, 2015. Collection method: clinical testing. Allele origin: germline.

NM_001040142.2(SCN2A):c.276A>G (p.Ile92Met)

Gene: SCN2A (sodium voltage-gated channel alpha subunit 2; plus strand). Cytogenetic location: 2q24.3.
Variant type: single nucleotide variant.
Coding change: c.276A>G on transcript NM_001040142.2 (MANE Select); coding-DNA position 276, A replaced by G.
Protein change: p.Ile92Met; replaces isoleucine 92 with methionine.
Molecular consequence: missense variant.
Genome position (GRCh38, 1-based): chr2:165,297,025, A>G. VCF-style: chr2-165297025-A-G. GRCh37 (hg19) VCF-style: chr2-166153535-A-G.
Other names: c.276A>G, p.Ile92Met (NM_001040143.2, NM_001371246.1, NM_001371247.1 and 1 more transcripts); short protein forms I92M.
Identifiers: ClinVar variation 946543 (VCV000946543.11), dbSNP rs761549438, ClinGen allele CA349011275.